The following is an entry in ClinVar:

NM_001407.3(CELSR3):c.9299G>C (p.Gly3100Ala)

Gene: CELSR3 (cadherin EGF LAG seven-pass G-type receptor 3; minus strand). Cytogenetic location: 3p21.31.
Variant type: single nucleotide variant.
Coding change: c.9299G>C on transcript NM_001407.3 (MANE Select); coding-DNA position 9299, G replaced by C.
Protein change: p.Gly3100Ala; replaces glycine 3100 with alanine.
Molecular consequence: missense variant.
Genome position (GRCh38, 1-based): chr3:48,640,286, C>G on the plus strand (G>C on the coding strand, the complement: CELSR3 is on the minus strand). VCF-style: chr3-48640286-C-G. GRCh37 (hg19) VCF-style: chr3-48677719-C-G.
Other names: short protein forms G3100A.
Identifiers: ClinVar variation 2672067 (VCV002672067.1), dbSNP rs778590372, ClinGen allele CA352698314.

ClinVar aggregate classification (germline): Likely pathogenic (0 of 4 stars; one submission).

gnomAD v4.1: 3 of 1,612,838 alleles (0.00019%); highest among the groups gnomAD compares: Non-Finnish European, 0.00025%; no homozygotes.

Submission:

Institute of Anatomy and Cell Biology, Medical Faculty, University Of Bonn
Classification: Likely pathogenic. Last evaluated: 2023-08-16. Review status: no assertion criteria provided. Collection method: clinical testing. Allele origin: inherited. Affected: yes.
Comment: This variant was observed in compound heterozygosity with variant c.1574G>A